The following is an entry in ClinVar:

NM_016507.4(CDK12):c.2036A>T (p.Asp679Val)

Gene: CDK12 (cyclin dependent kinase 12; plus strand). Cytogenetic location: 17q12.
Variant type: single nucleotide variant.
Coding change: c.2036A>T on transcript NM_016507.4 (MANE Select); coding-DNA position 2036, A replaced by T.
Protein change: p.Asp679Val; replaces aspartic acid 679 with valine.
Molecular consequence: missense variant.
Genome position (GRCh38, 1-based): chr17:39,490,661, A>T. VCF-style: chr17-39490661-A-T. GRCh37 (hg19) VCF-style: chr17-37646914-A-T.
Other names: c.2036A>T, p.Asp679Val (NM_015083.4); short protein forms D679V.
Identifiers: ClinVar variation 3999438 (VCV003999438.1).

ClinVar aggregate classification (germline): Uncertain significance (1 of 4 stars; one submission).

Submission:

Ambry Genetics
Classification: Uncertain significance. Last evaluated: 2025-05-09. Review status: criteria provided, single submitter. Criteria: Ambry Variant Classification Scheme 2023. Collection method: clinical testing. Allele origin: germline.
Comment: The p.D679V variant (also known as c.2036A>T), located in coding exon 3 of the CDK12 gene, results from an A to T substitution at nucleotide position 2036. The aspartic acid at codon 679 is replaced by valine, an amino acid with highly dissimilar properties. This amino acid position is conserved. In addition, the in silico prediction for this alteration is inconclusive. Based on the available evidence, the clinical significance of this variant remains unclear.